The following is an entry in ClinVar:

NM_004260.4(RECQL4):c.899G>A (p.Gly300Glu)

Gene: RECQL4 (RecQ like helicase 4; minus strand). Cytogenetic location: 8q24.3.
Variant type: single nucleotide variant.
Coding change: c.899G>A on transcript NM_004260.4 (MANE Select); coding-DNA position 899, G replaced by A.
Protein change: p.Gly300Glu; replaces glycine 300 with glutamic acid.
Molecular consequence: missense variant.
Genome position (GRCh38, 1-based): chr8:144,516,220, C>T on the plus strand (G>A on the coding strand, the complement: RECQL4 is on the minus strand). VCF-style: chr8-144516220-C-T. GRCh37 (hg19) VCF-style: chr8-145741604-C-T.
Other names: short protein forms G300E.
Identifiers: ClinVar variation 851743 (VCV000851743.9), dbSNP rs369842607, ClinGen allele CA4949151.

ClinVar aggregate classification (germline): Uncertain significance. Review status: criteria provided, multiple submitters, no conflicts (2 of 4 stars). 4 submissions from 4 submitters: Uncertain significance (4). Last evaluated 2025-06-17.

Conditions:
Baller-Gerold syndrome (BGS). Also called: CRANIOSYNOSTOSIS WITH RADIAL DEFECTS. Identifiers: Orphanet 1225, MedGen C0265308, MONDO:0009039, OMIM 218600.
Rothmund-Thomson syndrome type 2 (RTS2). Identifiers: Orphanet 221016, MedGen C5203410, MONDO:0016369, OMIM 268400.
Inborn genetic diseases. Identifiers: MedGen C0950123, MeSH D030342.

Allele frequency attached by ClinVar (database versions not stated): TOPMed below 0.00001; ExAC 0.00001; ESP Exome Variant Server 0.00008.
gnomAD v4.1: 4 of 1,613,202 alleles (0.00025%); highest among the groups gnomAD compares: Non-Finnish European, 0.00034%; no homozygotes.

Submissions (4):

St. Jude Molecular Pathology, St. Jude Children's Research Hospital
Classification: Uncertain significance for Rothmund-Thomson syndrome type 2. Last evaluated: 2025-06-17. Review status: criteria provided, single submitter. Criteria: St. Jude Assertion Criteria 2020. Collection method: clinical testing. Allele origin: germline.
Comment: The RECQL4 c.899G>A p.(Gly300Glu) missense change has a maximum subpopulation frequency of 0.0009% in gnomAD v2.1.1. In silico tools are inconclusive about a pathogenic or benign effect of this variant on protein function, and to our knowledge functional studies have not been performed. To our knowledge, this variant has not been reported in individuals with RECQL4-associated conditions. In summary, the evidence currently available is insufficient to determine the clinical significance of this variant. It has therefore been classified as of uncertai n significance.

Ambry Genetics
Classification: Uncertain significance for Inborn genetic diseases. Last evaluated: 2024-12-16. Review status: criteria provided, single submitter. Criteria: Ambry Variant Classification Scheme 2023. Collection method: clinical testing. Allele origin: germline.
Comment: The p.G300E variant (also known as c.899G>A), located in coding exon 5 of the RECQL4 gene, results from a G to A substitution at nucleotide position 899. The glycine at codon 300 is replaced by glutamic acid, an amino acid with similar properties. This amino acid position is conserved. In addition, this alteration is predicted to be tolerated by in silico analysis. Based on the available evidence, the clinical significance of this variant remains unclear.

Labcorp Genetics (formerly Invitae), Labcorp
Classification: Uncertain significance for Baller-Gerold syndrome. Last evaluated: 2023-10-10. Review status: criteria provided, single submitter. Criteria: Invitae Variant Classification Sherloc (09022015). Collection method: clinical testing. Allele origin: germline.
Comment: This sequence change replaces glycine, which is neutral and non-polar, with glutamic acid, which is acidic and polar, at codon 300 of the RECQL4 protein (p.Gly300Glu). This variant is present in population databases (rs369842607, gnomAD 0.0009%). This variant has not been reported in the literature in individuals affected with RECQL4-related conditions. ClinVar contains an entry for this variant (Variation ID: 851743). Advanced modeling of protein sequence and biophysical properties (such as structural, functional, and spatial information, amino acid conservation, physicochemical variation, residue mobility, and thermodynamic stability) performed at Invitae indicates that this missense variant is not expected to disrupt RECQL4 protein function. In summary, the available evidence is currently insufficient to determine the role of this variant in disease. Therefore, it has been classified as a Variant of Uncertain Significance.

GeneDx
Classification: Uncertain significance. Last evaluated: 2020-05-21. Review status: criteria provided, single submitter. Criteria: GeneDx Variant Classification Process June 2021. Collection method: clinical testing. Allele origin: germline. Affected: yes.
Comment: Not observed in large population cohorts (Lek 2016); In silico analysis supports that this missense variant does not alter protein structure/function; Has not been previously published as pathogenic or benign to our knowledge